The following is an entry in ClinVar:

NM_021076.4(NEFH):c.588G>C (p.Glu196Asp)

Gene: NEFH (neurofilament heavy chain; plus strand). Cytogenetic location: 22q12.2.
Variant type: single nucleotide variant.
Coding change: c.588G>C on transcript NM_021076.4 (MANE Select); coding-DNA position 588, G replaced by C.
Protein change: p.Glu196Asp; replaces glutamic acid 196 with aspartic acid.
Molecular consequence: missense variant.
Genome position (GRCh38, 1-based): chr22:29,480,850, G>C. VCF-style: chr22-29480850-G-C. GRCh37 (hg19) VCF-style: chr22-29876839-G-C.
Other names: short protein forms E196D.
Identifiers: ClinVar variation 1750314 (VCV001750314.2), dbSNP rs1196277923, ClinGen allele CA411123290.

ClinVar aggregate classification (germline): Uncertain significance (1 of 4 stars; one submission).

Conditions:
Inborn genetic diseases. Identifiers: MedGen C0950123, MeSH D030342.

gnomAD v4.1: 2 of 1,395,490 alleles (0.00014%); highest among the groups gnomAD compares: Non-Finnish European, 0.00018%; no homozygotes.

Submission:

Ambry Genetics
Classification: Uncertain significance for Inborn genetic diseases. Last evaluated: 2020-05-15. Review status: criteria provided, single submitter. Criteria: Ambry Variant Classification Scheme 2023. Collection method: clinical testing. Allele origin: germline.
Comment: The p.E196D variant (also known as c.588G>C), located in coding exon 1 of the NEFH gene, results from a G to C substitution at nucleotide position 588. The glutamic acid at codon 196 is replaced by aspartic acid, an amino acid with highly similar properties. This amino acid position is not well conserved in available vertebrate species. In addition, the in silico prediction for this alteration is inconclusive. Since supporting evidence is limited at this time, the clinical significance of this alteration remains unclear.